The following is an entry in ClinVar:

ClinVar aggregate classification (germline): Benign/Likely benign. Review status: criteria provided, multiple submitters, no conflicts (2 of 4 stars). 3 submissions from 3 submitters: Benign (1); Likely benign (2). Last evaluated 2024-12-22.

Conditions:
Hereditary cancer-predisposing syndrome. Also called: Tumor predisposition; Neoplastic Syndromes, Hereditary; Hereditary Cancer Syndrome; Hereditary neoplastic syndrome. Identifiers: Orphanet 140162, MedGen C0027672, MeSH D009386, MONDO:0015356.
Familial cancer of breast. Also called: BREAST CANCER, FAMILIAL; hereditary breast carcinoma; Hereditary breast cancer. Identifiers: Orphanet 227535, MedGen C0346153, MONDO:0016419, OMIM 114480. Disease mechanism: loss of function.
Ataxia-telangiectasia syndrome (AT). Also called: ATAXIA-TELANGIECTASIA, COMPLEMENTATION GROUP A; ATAXIA-TELANGIECTASIA, FRESNO VARIANT; Ataxia-telangiectasia; Ataxia telangiectasia (A-T); LOUIS-BAR SYNDROME; Ataxia-telangiectasia, complementation group D. Identifiers: Orphanet 100, MedGen C0004135, MONDO:0008840, OMIM 208900.

Allele frequency attached by ClinVar (database versions not stated): gnomAD 0.00001; TOPMed 0.00001.
gnomAD v4.1: 2 of 1,613,770 alleles (0.00012%); highest among the groups gnomAD compares: African/African-American, 0.0027%; no homozygotes.

Submissions (3):

Labcorp Genetics (formerly Invitae), Labcorp
Classification: Likely benign for Ataxia-telangiectasia syndrome. Last evaluated: 2024-12-22. Review status: criteria provided, single submitter. Criteria: Invitae Variant Classification Sherloc (09022015). Collection method: clinical testing. Allele origin: germline.

Myriad Genetics, Inc.
Classification: Benign for Familial cancer of breast. Last evaluated: 2024-04-19. Review status: criteria provided, single submitter. Criteria: Myriad Autosomal Dominant, Autosomal Recessive and X-Linked Classification Criteria (2023). Collection method: clinical testing. Allele origin: unknown.
Comment: This variant is considered benign. This variant is a silent/synonymous amino acid change and it is not expected to impact splicing.

Ambry Genetics
Classification: Likely benign for Hereditary cancer-predisposing syndrome. Last evaluated: 2021-05-09. Review status: criteria provided, single submitter. Criteria: Ambry Variant Classification Scheme 2023. Collection method: clinical testing. Allele origin: germline.

NM_000051.4(ATM):c.450T>A (p.Leu150=)

Gene: ATM (ATM serine/threonine kinase; plus strand). Cytogenetic location: 11q22.3.
Variant type: single nucleotide variant.
Coding change: c.450T>A on transcript NM_000051.4 (MANE Select); coding-DNA position 450, T replaced by A.
Protein change: p.Leu150=; no amino-acid change (leucine 150 retained).
Molecular consequence: synonymous variant.
Genome position (GRCh38, 1-based): chr11:108,235,788, T>A. VCF-style: chr11-108235788-T-A. GRCh37 (hg19) VCF-style: chr11-108106515-T-A.
Other names: c.450T>A, p.Leu150= (NM_001351834.2).
Identifiers: ClinVar variation 1096098 (VCV001096098.12), dbSNP rs1168425290, ClinGen allele CA476670407.